The following is an entry in ClinVar:

ClinVar aggregate classification (germline): Uncertain significance. Review status: criteria provided, multiple submitters, no conflicts (2 of 4 stars). 2 submissions from 2 submitters: Uncertain significance (2). Last evaluated 2024-02-08.

Allele frequency attached by ClinVar (database versions not stated): TOPMed 0.00001.

Submissions (2):

GeneDx
Classification: Uncertain significance. Last evaluated: 2024-02-08. Review status: criteria provided, single submitter. Criteria: GeneDx Variant Classification Process June 2021. Collection method: clinical testing. Allele origin: germline. Affected: yes.
Comment: Identified in a patient with hypertrophic cardiomyopathy in published literature; however, clinical details and segregation data were not provided (PMID: 32150461); Not observed at significant frequency in large population cohorts (gnomAD); In silico analysis supports that this missense variant has a deleterious effect on protein structure/function; Missense variants in this gene are a common cause of disease and they are underrepresented in the general population; This variant is associated with the following publications: (PMID: 29493581, 32150461)

Laboratory for Molecular Medicine, Mass General Brigham Personalized Medicine
Classification: Uncertain significance. Last evaluated: 2015-04-17. Review status: criteria provided, single submitter. Criteria: LMM Criteria. Collection method: clinical testing. Allele origin: germline. Observed: 1 variant allele.
Comment: The p.Leu570Val variant in RAF1 has not been previously reported in individuals with clinical features Noonan syndrome or in large population studies. Computati onal prediction tools and conservation analysis do not provide strong support fo r or against an impact to the protein. In summary, the clinical significance of the p.Leu570Val variant is uncertain.

NM_002880.4(RAF1):c.1708C>G (p.Leu570Val)

Gene: RAF1 (Raf-1 proto-oncogene, serine/threonine kinase; minus strand). Cytogenetic location: 3p25.2.
Variant type: single nucleotide variant.
Coding change: c.1708C>G on transcript NM_002880.4 (MANE Select); coding-DNA position 1708, C replaced by G.
Protein change: p.Leu570Val; replaces leucine 570 with valine.
Molecular consequence: missense variant. On other transcripts: non-coding transcript variant (3).
Genome position (GRCh38, 1-based): chr3:12,584,942, G>C on the plus strand (C>G on the coding strand, the complement: RAF1 is on the minus strand). VCF-style: chr3-12584942-G-C. GRCh37 (hg19) VCF-style: chr3-12626441-G-C.
Other names: c.1768C>G, p.Leu590Val (NM_001354689.3); c.1708C>G, p.Leu570Val (NM_001354690.3); c.1465C>G, p.Leu489Val (NM_001354691.3, NM_001354692.3); c.1609C>G, p.Leu537Val (NM_001354693.3); c.1525C>G, p.Leu509Val (NM_001354694.3); c.1366C>G, p.Leu456Val (NM_001354695.3); short protein forms L570V, L537V, L489V, L456V, L509V, L590V.
Identifiers: ClinVar variation 229176 (VCV000229176.6), dbSNP rs876657966, ClinGen allele CA10576600.
Genomic context (GRCh38, chr3:12,584,942, plus strand): 5'-TCACACAGTCAGCTACCAGCCTCTTCATTGCTTTGGGGCAGTTCTTATATAGCTTACTAA[G>C]ATCTGGGGAGGCATATCCTCGGCCCACCATGAAGATGATCTAAGGGAAAGAAAACAGCTG-3'
Protein context (NP_002871.1, residues 560-580): MVGRGYASPD[Leu570Val]SKLYKNCPKA